The following is an entry in ClinVar:

ClinVar aggregate classification (germline): Pathogenic (1 of 4 stars; one submission).

Conditions:
Epidermolysis bullosa, junctional 2B, severe. Also called: EPIDERMOLYSIS BULLOSA, JUNCTIONAL 2B, GENERALIZED SEVERE; EPIDERMOLYSIS BULLOSA, JUNCTIONAL 2B, HERLITZ TYPE. Identifiers: MedGen C5676937, MONDO:0030747, OMIM 619784.
Epidermolysis bullosa, junctional 2A, intermediate. Also called: EPIDERMOLYSIS BULLOSA, JUNCTIONAL 2A, GENERALIZED INTERMEDIATE; EPIDERMOLYSIS BULLOSA, JUNCTIONAL 2A, NON-HERLITZ TYPE. Identifiers: MedGen C5676936, MONDO:0030746, OMIM 619783.
Laryngo-onycho-cutaneous syndrome (JEB2C). Also called: LOGIC SYNDROME; EPIDERMOLYSIS BULLOSA, JUNCTIONAL 2C, LARYNGOONYCHOCUTANEOUS; SHABBIR SYNDROME. Identifiers: Orphanet 2407, MedGen C1328355, MONDO:0009513, OMIM 245660.

Submission:

Juno Genomics, Hangzhou Juno Genomics, Inc
Classification: Pathogenic for Epidermolysis bullosa, junctional 2A, intermediate; Epidermolysis bullosa, junctional 2B, severe; Laryngo-onycho-cutaneous syndrome. Review status: criteria provided, single submitter. Criteria: ACMG Guidelines, 2015. Collection method: clinical testing. Allele origin: germline.
Comment: Absent from controls (or at extremely low frequency if recessive) in Genome Aggregation Database.;Null variant in a gene where loss of function (LOF) is a known mechanism of disease.;For recessive disorders, detected in trans with a pathogenic variant.

NM_198129.4(LAMA3):c.3712dup (p.Tyr1238fs)

Gene: LAMA3 (laminin subunit alpha 3; plus strand). Cytogenetic location: 18q11.2.
Variant type: Duplication.
Coding change: c.3712dup on transcript NM_198129.4 (MANE Select); coding-DNA position 3712, one base duplicated (T; older notation c.3712dupT).
Protein change: p.Tyr1238fs; shifts the reading frame from tyrosine 1238.
Molecular consequence: frameshift variant.
Genome position (GRCh38, 1-based): chr18:23,845,117, T duplicated; the last of 4 consecutive T bases (chr18:23,845,114-23,845,117); duplicating any one gives the same sequence. VCF-style (leftmost placement, unchanged base first): chr18-23845113-C-CT. GRCh37 (hg19) VCF-style: chr18-21425077-C-CT.
Other names: c.3712dup, p.Tyr1238fs (NM_001127717.4); short protein forms Y1238fs.
Identifiers: ClinVar variation 5018863 (VCV005018863.2).
Genomic context (GRCh38, chr18:23,845,113, plus strand): 5'-ACTTCACAAAAAATCCATGGACAAGTCACTCGAGTTTATCACCAATTGTGGAAAAAACAG[C>CT]TTTTACCTTGAGTGAGTATCACTTTGTGGGAAGGCTCTGGAATGCAGAGGCACTCCCACA-3'